The following is an entry in ClinVar:

ClinVar aggregate classification (germline): Uncertain significance (1 of 4 stars; one submission).

Conditions:
Inborn genetic diseases. Identifiers: MedGen C0950123, MeSH D030342.

gnomAD v4.1: 7 of 1,613,494 alleles (0.00043%); highest among the groups gnomAD compares: Non-Finnish European, 0.00051%; no homozygotes.

Submission:

Ambry Genetics
Classification: Uncertain significance for Inborn genetic diseases. Last evaluated: 2026-03-24. Review status: criteria provided, single submitter. Criteria: Ambry Variant Classification Scheme 2023. Collection method: clinical testing. Allele origin: germline.
Comment: The p.R692W variant (also known as c.2074C>T), located in coding exon 18 of the KDM1A gene, results from a C to T substitution at nucleotide position 2074. The arginine at codon 692 is replaced by tryptophan, an amino acid with dissimilar properties. This amino acid position is conserved. In addition, this alteration is predicted to be deleterious by in silico analysis. Based on the available evidence, the clinical significance of this variant remains unclear.

NM_001009999.3(KDM1A):c.2074C>T (p.Arg692Trp)

Gene: KDM1A (lysine demethylase 1A; plus strand). Cytogenetic location: 1p36.12.
Variant type: single nucleotide variant.
Coding change: c.2074C>T on transcript NM_001009999.3 (MANE Select); coding-DNA position 2074, C replaced by T.
Protein change: p.Arg692Trp; replaces arginine 692 with tryptophan.
Molecular consequence: missense variant.
Genome position (GRCh38, 1-based): chr1:23,079,571, C>T. VCF-style: chr1-23079571-C-T. GRCh37 (hg19) VCF-style: chr1-23406064-C-T.
Other names: c.2020C>T, p.Arg674Trp (NM_001363654.2); c.2080C>T, p.Arg694Trp (NM_001410762.1); c.2002C>T, p.Arg668Trp (NM_001410763.1, NM_015013.4); short protein forms R668W, R674W, R692W, R694W.
Identifiers: ClinVar variation 4858696 (VCV004858696.1).